The following is an entry in ClinVar:

ClinVar aggregate classification (germline): Pathogenic/Likely pathogenic. Review status: criteria provided, multiple submitters, no conflicts (2 of 4 stars). 2 submissions from 2 submitters: Pathogenic (1); Likely pathogenic (1). Last evaluated 2025-06-17.

Conditions:
Meckel syndrome, type 5 (MKS5). Identifiers: Orphanet 564, MedGen C1969052, MONDO:0012695, OMIM 611561.
Joubert syndrome 7 (JBTS7). Identifiers: Orphanet 220497, MedGen C1969053, MONDO:0012694, OMIM 611560.
COACH syndrome 3. Identifiers: MedGen C5436841, MONDO:0030862, OMIM 619113.
Meckel-Gruber syndrome. Also called: DYSENCEPHALIA SPLANCHNOCYSTICA; GRUBER SYNDROME; Dysencephalia splachnocystica. Identifiers: Orphanet 564, MedGen C0265215, MONDO:0018921.
Joubert syndrome. Also called: CEREBELLOPARENCHYMAL DISORDER IV; JOUBERT-BOLTSHAUSER SYNDROME; Familial aplasia of the vermis. Identifiers: Orphanet 475, MedGen C5979921, MONDO:0018772.

Submissions (2):

Labcorp Genetics (formerly Invitae), Labcorp
Classification: Pathogenic for Joubert syndrome; Meckel-Gruber syndrome. Last evaluated: 2025-06-17. Review status: criteria provided, single submitter. Criteria: Invitae Variant Classification Sherloc (09022015). Collection method: clinical testing. Allele origin: germline.
Comment: This sequence change creates a premature translational stop signal (p.Ser832Valfs*17) in the RPGRIP1L gene. It is expected to result in an absent or disrupted protein product. Loss-of-function variants in RPGRIP1L are known to be pathogenic (PMID: 17558409). This variant is present in population databases (rs746792129, gnomAD 0.003%). This variant has not been reported in the literature in individuals affected with RPGRIP1L-related conditions. ClinVar contains an entry for this variant (Variation ID: 1446214). For these reasons, this variant has been classified as Pathogenic.

Fulgent Genetics
Classification: Likely pathogenic for Joubert syndrome 7; Meckel syndrome, type 5; COACH syndrome 3. Last evaluated: 2024-01-03. Review status: criteria provided, single submitter. Criteria: ACMG Guidelines, 2015. Collection method: clinical testing. Allele origin: germline.

Literature cited by the submitters: PubMed 17558409 (cited by Labcorp Genetics (formerly Invitae), Labcorp).

NM_015272.5(RPGRIP1L):c.2493del (p.Ser832fs)

Gene: RPGRIP1L (RPGRIP1 like; minus strand). Cytogenetic location: 16q12.2.
Variant type: Deletion.
Coding change: c.2493del on transcript NM_015272.5 (MANE Select); coding-DNA position 2493, one base deleted (C; older notation c.2493delC).
Protein change: p.Ser832fs; shifts the reading frame from serine 832.
Molecular consequence: frameshift variant.
Genome position (GRCh38, 1-based): chr16:53,645,815, G deleted on the plus strand (C on the coding strand, the reverse complement: RPGRIP1L is on the minus strand); the first of 3 consecutive G bases (chr16:53,645,815-53,645,817); deleting any one gives the same sequence. VCF-style (leftmost placement, unchanged base first): chr16-53645814-TG-T. GRCh37 (hg19) VCF-style: chr16-53679726-TG-T.
Other names: c.2493del, p.Ser832fs (NM_001127897.4, NM_001308334.3, NM_001330538.2); short protein forms S832fs.
Identifiers: ClinVar variation 1446214 (VCV001446214.7), dbSNP rs746792129, ClinGen allele CA8057533.